The following is an entry in ClinVar:

ClinVar aggregate classification (germline): Benign (1 of 4 stars; one submission).

Allele frequency attached by ClinVar (database versions not stated): gnomAD exomes 0.00523; gnomAD 0.06239 and 0.06727; 1000 Genomes Project 0.06769; 1000 Genomes Project 30x 0.06839; TOPMed 0.07028.
gnomAD v4.1: 15,232 of 1,198,270 alleles (1.3%); highest among the groups gnomAD compares: African/African-American, 22%; 1,589 homozygotes.

Submission:

GeneDx
Classification: Benign. Last evaluated: 2018-06-19. Review status: criteria provided, single submitter. Criteria: GeneDx Variant Classification (06012015). Collection method: clinical testing. Allele origin: germline. Affected: yes.
Comment: This variant is considered likely benign or benign based on one or more of the following criteria: it is a conservative change, it occurs at a poorly conserved position in the protein, it is predicted to be benign by multiple in silico algorithms, and/or has population frequency not consistent with disease.

NM_006073.4(TRDN):c.550+98A>C

Gene: TRDN (triadin; minus strand). Cytogenetic location: 6q22.31.
Variant type: single nucleotide variant.
Coding change: c.550+98A>C on transcript NM_006073.4 (MANE Select); 98 bases into the intron after coding-DNA position 550, A replaced by C.
Molecular consequence: intron variant.
Genome position (GRCh38, 1-based): chr6:123,516,043, T>G on the plus strand (A>C on the coding strand, the complement: TRDN is on the minus strand). VCF-style: chr6-123516043-T-G. GRCh37 (hg19) VCF-style: chr6-123837188-T-G.
Other names: c.550+98A>C (NM_001251987.2, NM_001256020.2, NM_001256021.2).
Identifiers: ClinVar variation 676383 (VCV000676383.1), dbSNP rs17085424, ClinGen allele CA147290132.